The following is an entry in ClinVar:

ClinVar aggregate classification (germline): Likely benign. Review status: criteria provided, multiple submitters, no conflicts (2 of 4 stars). 4 submissions from 4 submitters: Likely benign (4). Last evaluated 2026-08-14.

Conditions:
Ehlers-Danlos syndrome, classic type, 1 (EDSCL1). Also called: EHLERS-DANLOS SYNDROME, GRAVIS TYPE; EHLERS-DANLOS SYNDROME, SEVERE CLASSIC TYPE; Ehlers-Danlos Syndrome, Classic Type, COL5A1-Related; EDS I; Ehlers-Danlos syndrome, type 1. Identifiers: MedGen C0268335, MONDO:0019567, OMIM 130000.
Familial thoracic aortic aneurysm and aortic dissection (TAAD). Also called: Thoracic aortic aneurysms and dissections. Identifiers: Orphanet 91387, MedGen C4707243, MONDO:0019625.
Ehlers-Danlos syndrome, classic type, 2 (EDSCL2). Also called: Ehlers-Danlos Syndrome, Classic Type, COL5A2-Related; Ehlers-Danlos syndrome, type 2; Ehlers-Danlos syndrome type 2 (formerly). Identifiers: Orphanet 287, Orphanet 90318, MedGen C0268336, MONDO:0019568, OMIM 130010.

Allele frequency attached by ClinVar (database versions not stated): TOPMed 0.00001; gnomAD exomes 0.00005; ExAC 0.00008; gnomAD 0.00001.
gnomAD v4.1: 82 of 1,613,834 alleles (0.0051%); highest among the groups gnomAD compares: East Asian, 0.0089%; no homozygotes.

Submissions (4):

Ambry Genetics
Classification: Likely benign for Familial thoracic aortic aneurysm and aortic dissection. Last evaluated: 2026-08-14. Review status: criteria provided, single submitter. Criteria: Ambry Variant Classification Scheme 2023. Collection method: clinical testing. Allele origin: germline.

Labcorp Genetics (formerly Invitae), Labcorp
Classification: Likely benign for Ehlers-Danlos syndrome, classic type, 1. Last evaluated: 2025-11-11. Review status: criteria provided, single submitter. Criteria: Invitae Variant Classification Sherloc (09022015). Collection method: clinical testing. Allele origin: germline.

Women's Health and Genetics/Laboratory Corporation of America, LabCorp
Classification: Likely benign. Last evaluated: 2025-05-05. Review status: criteria provided, single submitter. Criteria: LabCorp Variant Classification Summary - May 2015. Collection method: clinical testing. Allele origin: germline.
Comment: Variant summary: COL5A2 c.3791C>T (p.Thr1264Met) results in a non-conservative amino acid change in the encoded protein sequence. Algorithms developed to predict the effect of missense changes on protein structure and function all suggest that this variant is likely to be disruptive. The variant allele was found at a frequency of 5.2e-05 in 251380 control chromosomes. The observed variant frequency is approximately 1.65 fold of the estimated maximal expected allele frequency for a pathogenic variant in COL5A2 causing Ehlers-Danlos syndrome, classic type, 2 phenotype (3.1e-05). To our knowledge, no occurrence of c.3791C>T in individuals affected with Ehlers-Danlos syndrome, classic type, 2 and no experimental evidence demonstrating its impact on protein function have been reported. ClinVar contains an entry for this variant (Variation ID: 665486). Based on the evidence outlined above, the variant was classified as likely benign.

Illumina Laboratory Services, Illumina
Classification: Likely benign for Ehlers-Danlos syndrome, classic type, 2. Last evaluated: 2018-01-12. Review status: criteria provided, single submitter. Criteria: ICSL Variant Classification Criteria 13 December 2019. Collection method: clinical testing. Allele origin: germline.
Comment: This variant was observed in the ICSL laboratory as part of a predisposition screen in an ostensibly healthy population. It had not been previously curated by ICSL or reported in the Human Gene Mutation Database (HGMD: prior to June 1st, 2018), and was therefore a candidate for classification through an automated scoring system. Utilizing variant allele frequency, disease prevalence and penetrance estimates, and inheritance mode, an automated score was calculated to assess if this variant is too frequent to cause the disease. Based on the score and internal cut-off values, a variant classified as likely benign is not then subjected to further curation. The score for this variant resulted in a classification of likely benign for this disease.

NM_000393.5(COL5A2):c.3791C>T (p.Thr1264Met)

Gene: COL5A2 (collagen type V alpha 2 chain; minus strand). Cytogenetic location: 2q32.2.
Variant type: single nucleotide variant.
Coding change: c.3791C>T on transcript NM_000393.5 (MANE Select); coding-DNA position 3791, C replaced by T.
Protein change: p.Thr1264Met; replaces threonine 1264 with methionine.
Molecular consequence: missense variant.
Genome position (GRCh38, 1-based): chr2:189,039,406, G>A on the plus strand (C>T on the coding strand, the complement: COL5A2 is on the minus strand). VCF-style: chr2-189039406-G-A. GRCh37 (hg19) VCF-style: chr2-189904132-G-A.
Other names: short protein forms T1264M.
Identifiers: ClinVar variation 665486 (VCV000665486.18), dbSNP rs762902468, ClinGen allele CA2021917.